The following is an entry in ClinVar:

ClinVar aggregate classification (germline): Uncertain significance (1 of 4 stars; one submission).

Conditions:
5-Oxoprolinase deficiency (OPLAHD). Also called: 5-OXOPROLINURIA DUE TO 5-OXOPROLINASE DEFICIENCY. Identifiers: Orphanet 33572, MedGen C0268525, MONDO:0009825, OMIM 260005, HP:0040142.

Allele frequency attached by ClinVar (database versions not stated): gnomAD 0.00001; gnomAD exomes 0.00001; TOPMed 0.00001.
gnomAD v4.1: 20 of 1,602,862 alleles (0.0012%); highest among the groups gnomAD compares: Non-Finnish European, 0.0017%; no homozygotes.

Submission:

Labcorp Genetics (formerly Invitae), Labcorp
Classification: Uncertain significance for 5-Oxoprolinase deficiency. Last evaluated: 2021-08-02. Review status: criteria provided, single submitter. Criteria: Invitae Variant Classification Sherloc (09022015). Collection method: clinical testing. Allele origin: germline.
Comment: In summary, the available evidence is currently insufficient to determine the role of this variant in disease. Therefore, it has been classified as a Variant of Uncertain Significance. Experimental studies and prediction algorithms are not available or were not evaluated, and the functional significance of this variant is currently unknown. This variant has not been reported in the literature in individuals affected with OPLAH-related conditions. This sequence change replaces arginine with glycine at codon 999 of the OPLAH protein (p.Arg999Gly). The arginine residue is weakly conserved and there is a moderate physicochemical difference between arginine and glycine. This variant is not present in population databases (ExAC no frequency).

NM_017570.5(OPLAH):c.2995C>G (p.Arg999Gly)

Gene: OPLAH (5-oxoprolinase, ATP-hydrolysing; minus strand). Cytogenetic location: 8q24.3.
Variant type: single nucleotide variant.
Coding change: c.2995C>G on transcript NM_017570.5 (MANE Select); coding-DNA position 2995, C replaced by G.
Protein change: p.Arg999Gly; replaces arginine 999 with glycine.
Molecular consequence: missense variant.
Genome position (GRCh38, 1-based): chr8:144,053,006, G>C on the plus strand (C>G on the coding strand, the complement: OPLAH is on the minus strand). VCF-style: chr8-144053006-G-C. GRCh37 (hg19) VCF-style: chr8-145107909-G-C.
Other names: short protein forms R999G.
Identifiers: ClinVar variation 1503598 (VCV001503598.6), dbSNP rs1471350813, ClinGen allele CA372536806.